The following is an entry in ClinVar:

ClinVar aggregate classification (germline): Uncertain significance (1 of 4 stars; one submission).

Submission:

Labcorp Genetics (formerly Invitae), Labcorp
Classification: Uncertain significance. Last evaluated: 2022-06-13. Review status: criteria provided, single submitter. Criteria: Invitae Variant Classification Sherloc (09022015). Collection method: clinical testing. Allele origin: germline.
Comment: In summary, the available evidence is currently insufficient to determine the role of this variant in disease. Therefore, it has been classified as a Variant of Uncertain Significance. Algorithms developed to predict the effect of missense changes on protein structure and function are either unavailable or do not agree on the potential impact of this missense change (SIFT: "Deleterious"; PolyPhen-2: "Probably Damaging"; Align-GVGD: "Class C15"). This variant has not been reported in the literature in individuals affected with PROM1-related conditions. This variant is not present in population databases (gnomAD no frequency). This sequence change replaces leucine, which is neutral and non-polar, with phenylalanine, which is neutral and non-polar, at codon 647 of the PROM1 protein (p.Leu647Phe).

NM_006017.3(PROM1):c.1939C>T (p.Leu647Phe)

Gene: PROM1 (prominin 1; minus strand). Cytogenetic location: 4p15.32.
Variant type: single nucleotide variant.
Coding change: c.1939C>T on transcript NM_006017.3 (MANE Select); coding-DNA position 1939, C replaced by T.
Protein change: p.Leu647Phe; replaces leucine 647 with phenylalanine.
Molecular consequence: missense variant.
Genome position (GRCh38, 1-based): chr4:15,991,266, G>A on the plus strand (C>T on the coding strand, the complement: PROM1 is on the minus strand). VCF-style: chr4-15991266-G-A. GRCh37 (hg19) VCF-style: chr4-15992889-G-A.
Other names: c.1912C>T, p.Leu638Phe (NM_001145847.2, NM_001145848.2, NM_001145851.2 and 4 more transcripts); c.1939C>T, p.Leu647Phe (NM_001145849.2, NM_001145850.2); short protein forms L638F, L647F.
Identifiers: ClinVar variation 1471753 (VCV001471753.6), dbSNP rs1383090074, ClinGen allele CA356430471.